The following is an entry in ClinVar:

ClinVar aggregate classification (germline): Uncertain significance (1 of 4 stars; one submission).

Conditions:
Combined immunodeficiency due to LRBA deficiency. Also called: Common variable immunodeficiency 8, with autoimmunity. Identifiers: Orphanet 445018, MedGen C3553512, MONDO:0013863, OMIM 614700.

Allele frequency attached by ClinVar (database versions not stated): gnomAD exomes below 0.00001; TOPMed below 0.00001; gnomAD 0.00001 and 0.00002.
gnomAD v4.1: 6 of 1,613,956 alleles (0.00037%); highest among the groups gnomAD compares: African/African-American, 0.004%; no homozygotes.

Submission:

Labcorp Genetics (formerly Invitae), Labcorp
Classification: Uncertain significance for Combined immunodeficiency due to LRBA deficiency. Last evaluated: 2020-10-02. Review status: criteria provided, single submitter. Criteria: Invitae Variant Classification Sherloc (09022015). Collection method: clinical testing. Allele origin: germline.
Comment: In summary, the available evidence is currently insufficient to determine the role of this variant in disease. Therefore, it has been classified as a Variant of Uncertain Significance. Algorithms developed to predict the effect of missense changes on protein structure and function output the following: SIFT: "Deleterious"; PolyPhen-2: "Benign"; Align-GVGD: "Class C0". The threonine amino acid residue is found in multiple mammalian species, suggesting that this missense change does not adversely affect protein function. These predictions have not been confirmed by published functional studies and their clinical significance is uncertain. This variant has not been reported in the literature in individuals with LRBA-related conditions. This variant is not present in population databases (ExAC no frequency). This sequence change replaces isoleucine with threonine at codon 1607 of the LRBA protein (p.Ile1607Thr). The isoleucine residue is weakly conserved and there is a moderate physicochemical difference between isoleucine and threonine.

NM_001364905.1(LRBA):c.4820T>C (p.Ile1607Thr)

Gene: LRBA (LPS responsive beige-like anchor protein; minus strand). Cytogenetic location: 4q31.3.
Variant type: single nucleotide variant.
Coding change: c.4820T>C on transcript NM_001364905.1 (MANE Select); coding-DNA position 4820, T replaced by C.
Protein change: p.Ile1607Thr; replaces isoleucine 1607 with threonine.
Molecular consequence: missense variant.
Genome position (GRCh38, 1-based): chr4:150,828,531, A>G on the plus strand (T>C on the coding strand, the complement: LRBA is on the minus strand). VCF-style: chr4-150828531-A-G. GRCh37 (hg19) VCF-style: chr4-151749683-A-G.
Other names: c.4820T>C, p.Ile1607Thr (NM_006726.5, NM_001199282.3, NM_001367550.1); short protein forms I1607T.
Identifiers: ClinVar variation 1005260 (VCV001005260.6), dbSNP rs935267881, ClinGen allele CA107799786.